The following is an entry in ClinVar:

ClinVar aggregate classification (germline): Benign/Likely benign. Review status: criteria provided, multiple submitters, no conflicts (2 of 4 stars). 4 submissions from 4 submitters: Benign (2); Likely benign (2). Last evaluated 2026-08-01.

Allele frequency attached by ClinVar (database versions not stated): gnomAD exomes 0.00176 and 0.00151; 1000 Genomes Project 30x 0.00234; 1000 Genomes Project 0.00280; ESP Exome Variant Server 0.00077; TOPMed 0.00100; gnomAD 0.00121 and 0.00131; ExAC 0.00156.
gnomAD v4.1: 2,788 of 1,612,310 alleles (0.17%); highest among the groups gnomAD compares: East Asian, 0.45%; 6 homozygotes.

Submissions (4):

CeGaT Center for Human Genetics Tuebingen
Classification: Likely benign. Last evaluated: 2026-08-01. Review status: criteria provided, single submitter. Criteria: CeGaT Center For Human Genetics Tuebingen Variant Classification Criteria Version 2. Collection method: clinical testing. Allele origin: germline. Affected: yes. Observed: 3 variant alleles.
Comment: ATP2B2: BP4, BP7, BS1

Blueprint Genetics
Classification: Likely benign. Last evaluated: 2024-11-26. Review status: criteria provided, single submitter. Criteria: ACMG Guidelines, 2015. Collection method: clinical testing. Allele origin: germline.

Labcorp Genetics (formerly Invitae), Labcorp
Classification: Benign. Last evaluated: 2024-11-10. Review status: criteria provided, single submitter. Criteria: Invitae Variant Classification Sherloc (09022015). Collection method: clinical testing. Allele origin: germline.

Breakthrough Genomics
Classification: Benign. Review status: criteria provided, single submitter. Criteria: ACMG Guidelines, 2015. Collection method: not provided. Allele origin: germline. Inheritance: Autosomal recessive inheritance. Affected: yes.

NM_001001331.4(ATP2B2):c.2454G>A (p.Thr818=)

Gene: ATP2B2 (ATPase plasma membrane Ca2+ transporting 2; minus strand). Cytogenetic location: 3p25.3.
Variant type: single nucleotide variant.
Coding change: c.2454G>A on transcript NM_001001331.4 (MANE Select); coding-DNA position 2454, G replaced by A.
Protein change: p.Thr818=; no amino-acid change (threonine 818 retained).
Molecular consequence: synonymous variant.
Genome position (GRCh38, 1-based): chr3:10,346,088, C>T on the plus strand (G>A on the coding strand, the complement: ATP2B2 is on the minus strand). VCF-style: chr3-10346088-C-T. GRCh37 (hg19) VCF-style: chr3-10387772-C-T.
Other names: c.2319G>A, p.Thr773= (NM_001330611.3, NM_001353564.1, NM_001363862.1 and 1 more transcripts).
Identifiers: ClinVar variation 1601322 (VCV001601322.20), dbSNP rs141909007, ClinGen allele CA2253368.
Genomic context (GRCh38, chr3:10,346,088, plus strand): 5'-TACCATGGCGAAGCCCACGTCGGCCTTCTTGAGTGCAGGCCCGTCGTTGGTCCCGTCCCC[C>T]GTCACGGCCACCACCTGCCGCTGCTCAGTGTGTGTGCTGTCGATGATGCCTGTTGGGGCA-3'
Protein context (NP_001001331.1, residues 808-828): HTEQRQVVAV[Thr818=]GDGTNDGPAL